The following is an entry in ClinVar:

NM_000388.4(CASR):c.2053G>A (p.Gly685Ser)

Gene: CASR (calcium sensing receptor; plus strand). Cytogenetic location: 3q21.1.
Variant type: single nucleotide variant.
Coding change: c.2053G>A on transcript NM_000388.4 (MANE Select); coding-DNA position 2053, G replaced by A.
Protein change: p.Gly685Ser; replaces glycine 685 with serine.
Molecular consequence: missense variant.
Genome position (GRCh38, 1-based): chr3:122,284,007, G>A. VCF-style: chr3-122284007-G-A. GRCh37 (hg19) VCF-style: chr3-122002854-G-A.
Other names: c.2083G>A, p.Gly695Ser (NM_001178065.2); short protein forms G685S, G695S.
Identifiers: ClinVar variation 3759618 (VCV003759618.3).

ClinVar aggregate classification (germline): Uncertain significance. Review status: criteria provided, multiple submitters, no conflicts (2 of 4 stars). 2 submissions from 2 submitters: Uncertain significance (2). Last evaluated 2025-08-13.

Conditions:
Autosomal dominant hypocalcemia 1 (HYPOC1). Also called: HYPOCALCEMIA, FAMILIAL. Identifiers: MedGen C3715128, MONDO:0011013, OMIM 601198.
Familial hypocalciuric hypercalcemia (FHH). Also called: Familial benign hypercalcemia. Identifiers: Orphanet 405, MedGen C1809471, MONDO:0018458.
Epilepsy, idiopathic generalized, susceptibility to, 8. Identifiers: MedGen C2752062, MONDO:0013032, OMIM 612899.

Submissions (2):

Center for Human Genetics and Genomic Medicine, Uniklinik Rwth Aachen
Classification: Uncertain significance for Epilepsy, idiopathic generalized, susceptibility to, 8. Last evaluated: 2025-08-13. Review status: criteria provided, single submitter. Criteria: ACMG Guidelines, 2015. Collection method: clinical testing. Allele origin: germline. Inheritance: Autosomal dominant inheritance. Affected: yes.

Labcorp Genetics (formerly Invitae), Labcorp
Classification: Uncertain significance for Familial hypocalciuric hypercalcemia; Autosomal dominant hypocalcemia 1. Last evaluated: 2024-10-29. Review status: criteria provided, single submitter. Criteria: Invitae Variant Classification Sherloc (09022015). Collection method: clinical testing. Allele origin: germline.
Comment: This sequence change replaces glycine, which is neutral and non-polar, with serine, which is neutral and polar, at codon 685 of the CASR protein (p.Gly685Ser). This variant is not present in population databases (gnomAD no frequency). This variant has not been reported in the literature in individuals affected with CASR-related conditions. An algorithm developed to predict the effect of missense changes on protein structure and function (PolyPhen-2) suggests that this variant is likely to be disruptive. In summary, the available evidence is currently insufficient to determine the role of this variant in disease. Therefore, it has been classified as a Variant of Uncertain Significance.